The following is an entry in ClinVar:

ClinVar aggregate classification (germline): Uncertain significance (1 of 4 stars; one submission).

Submission:

GeneDx
Classification: Uncertain significance. Last evaluated: 2025-02-20. Review status: criteria provided, single submitter. Criteria: GeneDx Variant Classification Process June 2021. Collection method: clinical testing. Allele origin: germline. Affected: yes.
Comment: Not observed at significant frequency in large population cohorts (gnomAD); In silico analysis indicates that this missense variant does not alter protein structure/function; Has not been previously published as pathogenic or benign to our knowledge

NM_001135649.3(FOXI3):c.171C>G (p.Asn57Lys)

Gene: FOXI3 (forkhead box I3; minus strand). Cytogenetic location: 2p11.2.
Variant type: single nucleotide variant.
Coding change: c.171C>G on transcript NM_001135649.3 (MANE Select); coding-DNA position 171, C replaced by G.
Protein change: p.Asn57Lys; replaces asparagine 57 with lysine.
Molecular consequence: missense variant.
Genome position (GRCh38, 1-based): chr2:88,452,365, G>C on the plus strand (C>G on the coding strand, the complement: FOXI3 is on the minus strand). VCF-style: chr2-88452365-G-C. GRCh37 (hg19) VCF-style: chr2-88751883-G-C.
Other names: short protein forms N57K.
Identifiers: ClinVar variation 4082597 (VCV004082597.1).
Genomic context (GRCh38, chr2:88,452,365, plus strand): 5'-GCCCAGGTACGCGGCGGCGGCTGCGGCGGCGGCGGAGGGCGGGCCTCCCACGCCGGGCCC[G>C]TTGAGCCACAGGTAGGGGTTGGCGGCGGCGGCCGGCGGCGCGGCGTAGTCGGCCAGCCCG-3'
Protein context (NP_001129121.1, residues 47-67): AAAANPYLWL[Asn57Lys]GPGVGGPPSA